The following is an entry in ClinVar:

ClinVar aggregate classification (germline): Likely benign. Review status: criteria provided, single submitter (1 of 4 stars). 2 submissions from 2 submitters: Likely benign (1). 1 of the submissions does not count toward it. Last evaluated 2026-01-25.

Conditions:
SUMF1-related disorder. Also called: SUMF1-related condition.
Multiple sulfatase deficiency (MSD). Also called: Mucosulfatidosis; Multiple Sulfatase Deficiency Disease; Sulfatidosis, Juvenile, Austin Type. Identifiers: Orphanet 585, MedGen C0268263, MONDO:0010088, OMIM 272200.

Allele frequency attached by ClinVar (database versions not stated): gnomAD exomes 0.00004 and 0.00015; ExAC 0.00005; gnomAD 0.00009; TOPMed 0.00009; ESP Exome Variant Server 0.00015.
gnomAD v4.1: 245 of 1,613,964 alleles (0.015%); highest among the groups gnomAD compares: Non-Finnish European, 0.019%; no homozygotes.

Submissions (2):

Labcorp Genetics (formerly Invitae), Labcorp
Classification: Likely benign for Multiple sulfatase deficiency. Last evaluated: 2026-01-25. Review status: criteria provided, single submitter. Criteria: Invitae Variant Classification Sherloc (09022015). Collection method: clinical testing. Allele origin: germline.

PreventionGenetics, part of Exact Sciences
Classification: Likely benign for SUMF1-related condition. Last evaluated: 2021-07-05. Review status: no assertion criteria provided. Collection method: clinical testing. Allele origin: germline. Not counted in ClinVar's aggregate classification.
Comment: This variant is classified as likely benign based on ACMG/AMP sequence variant interpretation guidelines (Richards et al. 2015 PMID: 25741868, with internal and published modifications).

NM_182760.4(SUMF1):c.528T>C (p.Ala176=)

Gene: SUMF1 (sulfatase modifying factor 1; minus strand). Cytogenetic location: 3p26.1.
Variant type: single nucleotide variant.
Coding change: c.528T>C on transcript NM_182760.4 (MANE Select); coding-DNA position 528, T replaced by C.
Protein change: p.Ala176=; no amino-acid change (alanine 176 retained).
Molecular consequence: synonymous variant.
Genome position (GRCh38, 1-based): chr3:4,420,138, A>G on the plus strand (T>C on the coding strand, the complement: SUMF1 is on the minus strand). VCF-style: chr3-4420138-A-G. GRCh37 (hg19) VCF-style: chr3-4461822-A-G.
Other names: c.453T>C, p.Ala151= (NM_001164674.2); c.528T>C, p.Ala176= (NM_001164675.2).
Identifiers: ClinVar variation 709537 (VCV000709537.11), dbSNP rs138269123, ClinGen allele CA2230558.
Genomic context (GRCh38, chr3:4,420,138, plus strand): 5'-AGAGTCAGGCCCTTCTGGGTGTCTCCAGTTAGCGCCTTTCACAGGTAACCACCAGGGAGC[A>G]GCTGCAACCTCAAAGCAACCCAGAACAGGCTGATGTTAGCTACTAACATCAACTCTAGAA-3'
Protein context (NP_877437.2, residues 166-186): VKTNIQQAVA[Ala176=]APWWLPVKGA